The following is an entry in ClinVar:

ClinVar aggregate classification (germline): Uncertain significance. Review status: criteria provided, multiple submitters, no conflicts (2 of 4 stars). 2 submissions from 2 submitters: Uncertain significance (2). Last evaluated 2024-04-23.

Conditions:
Agammaglobulinemia 7, autosomal recessive (AGM7). Also called: AGAMMAGLOBULINEMIA, AUTOSOMAL RECESSIVE, DUE TO PIK3R1 DEFECT. Identifiers: MedGen C3554689, MONDO:0014083, OMIM 615214.
Immunodeficiency 36 with lymphoproliferation. Also called: Immunodeficiency 36; ACTIVATED PI3K-DELTA SYNDROME 2; Activated PI3K Delta Syndrome Type 2 (APDS2). Identifiers: Orphanet 397596, Orphanet 693681, MedGen C4014934, MONDO:0014453, OMIM 616005.
SHORT syndrome. Also called: PIK3R1-Related SHORT Syndrome; SHORT STATURE, HYPEREXTENSIBILITY, HERNIA, OCULAR DEPRESSION, RIEGER ANOMALY, AND TEETHING DELAY; LIPODYSTROPHY, PARTIAL, WITH RIEGER ANOMALY AND SHORT STATURE. Identifiers: Orphanet 3163, MedGen C0878684, MONDO:0010026, OMIM 269880.

Allele frequency attached by ClinVar (database versions not stated): gnomAD exomes below 0.00001.
gnomAD v4.1: 1 of 1,611,210 alleles (0.000062%); highest among the groups gnomAD compares: African/African-American, 0.0013%; no homozygotes.

Submissions (2):

Labcorp Genetics (formerly Invitae), Labcorp
Classification: Uncertain significance for SHORT syndrome; Immunodeficiency 36 with lymphoproliferation; Agammaglobulinemia 7, autosomal recessive. Last evaluated: 2024-04-23. Review status: criteria provided, single submitter. Criteria: Invitae Variant Classification Sherloc (09022015). Collection method: clinical testing. Allele origin: germline.
Comment: This sequence change replaces asparagine, which is neutral and polar, with aspartic acid, which is acidic and polar, at codon 488 of the PIK3R1 protein (p.Asn488Asp). This variant is not present in population databases (gnomAD no frequency). This variant has not been reported in the literature in individuals affected with PIK3R1-related conditions. ClinVar contains an entry for this variant (Variation ID: 859537). Advanced modeling of protein sequence and biophysical properties (such as structural, functional, and spatial information, amino acid conservation, physicochemical variation, residue mobility, and thermodynamic stability) performed at Invitae indicates that this missense variant is not expected to disrupt PIK3R1 protein function with a negative predictive value of 80%. In summary, the available evidence is currently insufficient to determine the role of this variant in disease. Therefore, it has been classified as a Variant of Uncertain Significance.

GeneDx
Classification: Uncertain significance. Last evaluated: 2022-05-20. Review status: criteria provided, single submitter. Criteria: GeneDx Variant Classification Process June 2021. Collection method: clinical testing. Allele origin: germline. Affected: yes.
Comment: Not observed at significant frequency in large population cohorts (gnomAD); In silico analysis supports that this missense variant has a deleterious effect on protein structure/function; Has not been previously published as pathogenic or benign to our knowledge

NM_181523.3(PIK3R1):c.1462A>G (p.Asn488Asp)

Gene: PIK3R1 (phosphoinositide-3-kinase regulatory subunit 1; plus strand). Cytogenetic location: 5q13.1.
Variant type: single nucleotide variant.
Coding change: c.1462A>G on transcript NM_181523.3 (MANE Select); coding-DNA position 1462, A replaced by G.
Protein change: p.Asn488Asp; replaces asparagine 488 with aspartic acid.
Molecular consequence: missense variant.
Genome position (GRCh38, 1-based): chr5:68,294,572, A>G. VCF-style: chr5-68294572-A-G. GRCh37 (hg19) VCF-style: chr5-67590400-A-G.
Other names: c.373A>G, p.Asn125Asp (NM_001242466.2); c.652A>G, p.Asn218Asp (NM_181504.4); c.562A>G, p.Asn188Asp (NM_181524.2); short protein forms N188D, N125D, N488D, N218D.
Identifiers: ClinVar variation 859537 (VCV000859537.14), dbSNP rs1747587410, ClinGen allele CA359881463.